The following is an entry in ClinVar:

ClinVar aggregate classification (germline): Benign/Likely benign. Review status: criteria provided, multiple submitters, no conflicts (2 of 4 stars). 10 submissions from 9 submitters: Benign (7); Likely benign (1). 2 of the submissions do not count toward it. Last evaluated 2026-02-04.

Conditions:
Frontotemporal dementia and/or amyotrophic lateral sclerosis 6 (FTDALS6). Also called: VCP-Related Amyotrophic Lateral Sclerosis; VCP-Related Amyotrophic Lateral Sclerosis/Frontotemporal Dementia. Identifiers: Orphanet 275872, Orphanet 803, MedGen C5436279, MONDO:0013501, OMIM 613954.
Inclusion body myopathy with Paget disease of bone and frontotemporal dementia. Also called: Inclusion body myopathy with early-onset Paget disease and frontotemporal dementia. Identifiers: Orphanet 52430, MedGen C1833662, MONDO:0000507.
Inclusion body myopathy with Paget disease of bone and frontotemporal dementia type 1. Also called: Inclusion body myopathy with early-onset Paget disease and frontotemporal dementia 1; MULTISYSTEM PROTEINOPATHY 1; Inclusion body myopathy with early-onset Paget disease with or without frontotemporal dementia 1. Identifiers: MedGen C4551951, MONDO:0008178, OMIM 167320.

Allele frequency attached by ClinVar (database versions not stated): gnomAD exomes 0.00149; ExAC 0.00179; 1000 Genomes Project 30x 0.00468; 1000 Genomes Project 0.00479; gnomAD 0.00620 and 0.00667; TOPMed 0.00755.
gnomAD v4.1: 1,962 of 1,610,278 alleles (0.12%); highest among the groups gnomAD compares: African/African-American, 2.2%; 22 homozygotes.

Submissions (10):

Labcorp Genetics (formerly Invitae), Labcorp
Classification: Benign for Inclusion body myopathy with Paget disease of bone and frontotemporal dementia; Frontotemporal dementia and/or amyotrophic lateral sclerosis 6. Last evaluated: 2026-02-04. Review status: criteria provided, single submitter. Criteria: Invitae Variant Classification Sherloc (09022015). Collection method: clinical testing. Allele origin: germline.

Athena Diagnostics
Classification: Benign. Last evaluated: 2025-06-25. Review status: criteria provided, single submitter. Criteria: Athena Diagnostics Criteria. Collection method: clinical testing. Allele origin: unknown.
Comment: The frequency of this variant in the general population is higher than would generally be expected for pathogenic variants in this gene. Computational tools yielded predictions that this variant is unlikely to have an effect on normal RNA splicing. This nucleotide position exhibits low evolutionary conservation.

Blueprint Genetics
Classification: Likely benign. Last evaluated: 2024-10-18. Review status: criteria provided, single submitter. Criteria: ACMG Guidelines, 2015. Collection method: clinical testing. Allele origin: germline.

GeneDx
Classification: Benign. Last evaluated: 2020-06-15. Review status: criteria provided, single submitter. Criteria: GeneDx Variant Classification Process June 2021. Collection method: clinical testing. Allele origin: germline. Affected: yes.

Mayo Clinic Laboratories, Mayo Clinic
Classification: Benign. Last evaluated: 2018-01-17. Review status: criteria provided, single submitter. Criteria: ACMG Guidelines, 2015. Collection method: clinical testing. Allele origin: germline. Observed: 6 variant alleles.

Illumina Laboratory Services, Illumina
Classification: Benign for Frontotemporal dementia and/or amyotrophic lateral sclerosis 6. Last evaluated: 2018-01-13. Review status: criteria provided, single submitter. Criteria: ICSL Variant Classification Criteria 13 December 2019. Collection method: clinical testing. Allele origin: germline.
Comment: This variant was observed in the ICSL laboratory as part of a predisposition screen in an ostensibly healthy population. It had not been previously curated by ICSL or reported in the Human Gene Mutation Database (HGMD: prior to June 1st, 2018), and was therefore a candidate for classification through an automated scoring system. Utilizing variant allele frequency, disease prevalence and penetrance estimates, and inheritance mode, an automated score was calculated to assess if this variant is too frequent to cause the disease. Based on the score and internal cut-off values, a variant classified as benign is not then subjected to further curation. The score for this variant resulted in a classification of benign for this disease.

Illumina Laboratory Services, Illumina
Classification: Benign for Inclusion body myopathy with Paget disease of bone and frontotemporal dementia type 1. Last evaluated: 2018-01-13. Review status: criteria provided, single submitter. Criteria: ICSL Variant Classification Criteria 13 December 2019. Collection method: clinical testing. Allele origin: germline.
Comment: the same text as in the submission from Illumina Laboratory Services, Illumina above.

Breakthrough Genomics
Classification: Benign. Review status: criteria provided, single submitter. Criteria: ACMG Guidelines, 2015. Collection method: not provided. Allele origin: germline. Inheritance: Autosomal dominant inheritance. Affected: yes.

Clinical Genetics DNA and cytogenetics Diagnostics Lab, Erasmus MC, Erasmus Medical Center
Classification: Likely benign. Review status: no assertion criteria provided. Collection method: clinical testing. Allele origin: germline. Affected: yes. Study: VKGL Data-share Consensus. Not counted in ClinVar's aggregate classification.

Genome Diagnostics Laboratory, University Medical Center Utrecht
Classification: Likely benign. Review status: no assertion criteria provided. Collection method: clinical testing. Allele origin: germline. Affected: yes. Study: VKGL Data-share Consensus. Not counted in ClinVar's aggregate classification.

NM_007126.5(VCP):c.1082-9G>T

Gene: VCP (valosin containing protein; minus strand). Cytogenetic location: 9p13.3.
Variant type: single nucleotide variant.
Coding change: c.1082-9G>T on transcript NM_007126.5 (MANE Select); 9 bases into the intron before coding-DNA position 1082, G replaced by T.
Molecular consequence: intron variant.
Genome position (GRCh38, 1-based): chr9:35,061,698, C>A on the plus strand (G>T on the coding strand, the complement: VCP is on the minus strand). VCF-style: chr9-35061698-C-A. GRCh37 (hg19) VCF-style: chr9-35061695-C-A.
Other names: p.?; c.947-9G>T (NM_001354927.2, NM_001354928.2).
Identifiers: ClinVar variation 464103 (VCV000464103.23), dbSNP rs12349922, ClinGen allele CA5039312.